The following is an entry in ClinVar:

ClinVar aggregate classification (germline): Uncertain significance (1 of 4 stars; one submission).

Conditions:
Congenital myopathy with internal nuclei and atypical cores. Also called: Myopathy, centronuclear, 4. Identifiers: Orphanet 319160, MedGen C4707232, MONDO:0013890, OMIM 614807.

Submission:

Labcorp Genetics (formerly Invitae), Labcorp
Classification: Uncertain significance for Congenital myopathy with internal nuclei and atypical cores. Last evaluated: 2020-03-04. Review status: criteria provided, single submitter. Criteria: Invitae Variant Classification Sherloc (09022015). Collection method: clinical testing. Allele origin: germline.
Comment: This variant has not been reported in the literature in individuals with CCDC78-related conditions. This sequence change replaces arginine with leucine at codon 348 of the CCDC78 protein (p.Arg348Leu). The arginine residue is weakly conserved and there is a moderate physicochemical difference between arginine and leucine. This variant is not present in population databases (ExAC no frequency). Algorithms developed to predict the effect of missense changes on protein structure and function output the following: SIFT: "Deleterious"; PolyPhen-2: "Possibly Damaging"; Align-GVGD: "Class C0". The leucine amino acid residue is found in multiple mammalian species, suggesting that this missense change does not adversely affect protein function. These predictions have not been confirmed by published functional studies and their clinical significance is uncertain. In summary, the available evidence is currently insufficient to determine the role of this variant in disease. Therefore, it has been classified as a Variant of Uncertain Significance.

NM_001378030.1(CCDC78):c.1043G>T (p.Arg348Leu)

Gene: CCDC78 (coiled-coil domain containing 78; minus strand). Cytogenetic location: 16p13.3.
Variant type: single nucleotide variant.
Coding change: c.1043G>T on transcript NM_001378030.1 (MANE Select); coding-DNA position 1043, G replaced by T.
Protein change: p.Arg348Leu; replaces arginine 348 with leucine.
Molecular consequence: missense variant. On other transcripts: non-coding transcript variant (5), intron variant (1).
Genome position (GRCh38, 1-based): chr16:724,116, C>A on the plus strand (G>T on the coding strand, the complement: CCDC78 is on the minus strand). VCF-style: chr16-724116-C-A. GRCh37 (hg19) VCF-style: chr16-774116-C-A.
Other names: c.1043G>T, p.Arg348Leu (NM_001031737.3); c.476G>T, p.Arg159Leu (NM_001378033.1); c.953+206G>T (NM_001378031.1); short protein forms R159L, R348L.
Identifiers: ClinVar variation 1001168 (VCV001001168.8), dbSNP rs142170929, ClinGen allele CA394098733.